The following is an entry in ClinVar:

ClinVar aggregate classification (germline): Uncertain significance (1 of 4 stars; one submission).

Conditions:
Dilated cardiomyopathy 1W (CMD1W). Identifiers: Orphanet 154, MedGen C1969639, MONDO:0012667, OMIM 611407.

Submission:

Labcorp Genetics (formerly Invitae), Labcorp
Classification: Uncertain significance for Dilated cardiomyopathy 1W. Last evaluated: 2023-02-08. Review status: criteria provided, single submitter. Criteria: Invitae Variant Classification Sherloc (09022015). Collection method: clinical testing. Allele origin: germline.
Comment: In summary, the available evidence is currently insufficient to determine the role of this variant in disease. Therefore, it has been classified as a Variant of Uncertain Significance. An algorithm developed to predict the effect of missense changes on protein structure and function (PolyPhen-2) suggests that this variant is likely to be tolerated. This variant has not been reported in the literature in individuals affected with VCL-related conditions. This variant is not present in population databases (gnomAD no frequency). This sequence change replaces glutamine, which is neutral and polar, with proline, which is neutral and non-polar, at codon 1062 of the VCL protein (p.Gln1062Pro).

NM_014000.3(VCL):c.3185A>C (p.Gln1062Pro)

Gene: VCL (vinculin; plus strand). Cytogenetic location: 10q22.2.
Variant type: single nucleotide variant.
Coding change: c.3185A>C on transcript NM_014000.3 (MANE Select); coding-DNA position 3185, A replaced by C.
Protein change: p.Gln1062Pro; replaces glutamine 1062 with proline.
Molecular consequence: missense variant.
Genome position (GRCh38, 1-based): chr10:74,114,826, A>C. VCF-style: chr10-74114826-A-C. GRCh37 (hg19) VCF-style: chr10-75874584-A-C.
Other names: c.2981A>C, p.Gln994Pro (NM_003373.4); short protein forms Q1062P, Q994P.
Identifiers: ClinVar variation 2835318 (VCV002835318.3), dbSNP rs2549237769, ClinGen allele CA377267436.